The following is an entry in ClinVar:

NM_001267550.2(TTN):c.41578del (p.Leu13860fs)

Gene: TTN (titin; minus strand). Cytogenetic location: 2q31.2.
Variant type: Deletion.
Coding change: c.41578del on transcript NM_001267550.2 (MANE Select); coding-DNA position 41578, one base deleted (C; older notation c.41578delC).
Protein change: p.Leu13860fs; shifts the reading frame from leucine 13860.
Molecular consequence: frameshift variant.
Genome position (GRCh38, 1-based): chr2:178,635,993, G deleted on the plus strand (C on the coding strand, the reverse complement: TTN is on the minus strand); the first of 2 consecutive G bases (chr2:178,635,993-178,635,994); deleting either gives the same sequence. VCF-style (leftmost placement, unchanged base first): chr2-178635992-AG-A. GRCh37 (hg19) VCF-style: chr2-179500719-AG-A.
Other names: c.36655del, p.Leu12219fs (NM_001256850.1); c.14383del, p.Leu4795fs (NM_003319.4); c.33874del, p.Leu11292fs (NM_133378.4); c.14758del, p.Leu4920fs (NM_133432.3); c.14959del, p.Leu4987fs (NM_133437.4); c.14383delC (NM_003319.4); short protein forms L12219fs, L13860fs, L4987fs, L4920fs, L11292fs, L4795fs.
Identifiers: ClinVar variation 3464238 (VCV003464238.1).

ClinVar aggregate classification (germline): Likely pathogenic (1 of 4 stars; one submission).

Conditions:
Cardiovascular phenotype. Identifiers: MedGen CN230736.

Submission:

Ambry Genetics
Classification: Likely pathogenic for Cardiovascular phenotype. Last evaluated: 2024-11-25. Review status: criteria provided, single submitter. Criteria: Ambry Variant Classification Scheme 2023. Collection method: clinical testing. Allele origin: germline.
Comment: The c.14383delC variant, located in coding exon 53 of the TTN gene, results from a deletion of one nucleotide at nucleotide position 14383, causing a translational frameshift with a predicted alternate stop codon (p.L4795Wfs*7). This exon is located in the I-band region of the N2-B isoform of the titin protein and is constitutively expressed in TTN transcripts (percent spliced in or PSI 100%). This alteration is expected to result in loss of function by premature protein truncation or nonsense-mediated mRNA decay. While truncating variants in TTN are present in 1-3% of the general population, truncating variants in the A-band are the most common cause of dilated cardiomyopathy (DCM) (Herman DS et al. N. Engl. J. Med., 2012 Feb;366:619-28; Roberts AM et al. Sci Transl Med, 2015 Jan;7:270ra6). TTN truncating variants encoded in constitutive exons (PSI >90%) have been found to be significantly associated with DCM regardless of their position in titin (Schafer S et al. Nat. Genet., 2017 01;49:46-53). This variant is considered to be rare based on population cohorts in the Genome Aggregation Database (gnomAD). Based on the majority of available evidence to date, this variant is likely to be pathogenic.